The following is an entry in ClinVar:

NM_001267550.2(TTN):c.16910C>T (p.Pro5637Leu)

Genes: TTN (titin; minus strand), LOC126806431 (CDK7 strongly-dependent group 2 enhancer GRCh37_chr2:179595719-179596918; plus strand). Cytogenetic location: 2q31.2.
Variant type: single nucleotide variant.
Coding change: c.16910C>T on transcript NM_001267550.2 (MANE Select); coding-DNA position 16910, C replaced by T.
Protein change: p.Pro5637Leu; replaces proline 5637 with leucine.
Molecular consequence: missense variant. On other transcripts: intron variant (3).
Genome position (GRCh38, 1-based): chr2:178,731,965, G>A on the plus strand (C>T on the coding strand, the complement: TTN is on the minus strand). VCF-style: chr2-178731965-G-A. GRCh37 (hg19) VCF-style: chr2-179596692-G-A.
Other names: c.15959C>T, p.Pro5320Leu (NM_001256850.1); c.13178C>T, p.Pro4393Leu (NM_133378.4); c.13282+6117C>T (NM_003319.4); c.13858+6117C>T (NM_133437.4); c.13657+6117C>T (NM_133432.3); short protein forms P4393L, P5320L, P5637L.
Identifiers: ClinVar variation 3033029 (VCV003033029.2), dbSNP rs749185334, ClinGen allele CA2001943.

ClinVar aggregate classification (germline): Uncertain significance (0 of 4 stars; one submission).

Conditions:
TTN-related disorder. Also called: TTN-related condition; TTN-related disease; TTN-related disorders.

Allele frequency attached by ClinVar (database versions not stated): gnomAD exomes below 0.00001; ExAC 0.00001.
gnomAD v4.1: 4 of 1,605,332 alleles (0.00025%); highest among the groups gnomAD compares: African/African-American, 0.0013%; no homozygotes.

Submission:

PreventionGenetics, part of Exact Sciences
Classification: Uncertain significance for TTN-related condition. Last evaluated: 2023-12-27. Review status: no assertion criteria provided. Collection method: clinical testing. Allele origin: germline.
Comment: The TTN c.16910C>T variant is predicted to result in the amino acid substitution p.Pro5637Leu. To our knowledge, this variant has not been reported in the literature. This variant is reported in 0.0034% of alleles in individuals of South Asian descent in gnomAD. At this time, the clinical significance of this variant is uncertain due to the absence of conclusive functional and genetic evidence.